The following is an entry in ClinVar:

ClinVar aggregate classification (germline): Uncertain significance. Review status: criteria provided, multiple submitters, no conflicts (2 of 4 stars). 2 submissions from 2 submitters: Uncertain significance (2). Last evaluated 2021-03-01.

Allele frequency attached by ClinVar (database versions not stated): gnomAD exomes below 0.00001; ExAC 0.00001; TOPMed 0.00001.
gnomAD v4.1: 4 of 1,614,144 alleles (0.00025%); highest among the groups gnomAD compares: Non-Finnish European, 0.00025%; no homozygotes.

Submissions (2):

CeGaT Center for Human Genetics Tuebingen
Classification: Uncertain significance. Last evaluated: 2021-03-01. Review status: criteria provided, single submitter. Criteria: CeGaT Center For Human Genetics Tuebingen Variant Classification Criteria Version 2. Collection method: clinical testing. Allele origin: germline. Affected: yes. Observed: 1 variant allele.

GeneDx
Classification: Uncertain significance. Last evaluated: 2019-07-15. Review status: criteria provided, single submitter. Criteria: GeneDx Variant Classification Process June 2021. Collection method: clinical testing. Allele origin: germline. Affected: yes.
Comment: Not observed at a significant frequency in large population cohorts (Lek et al., 2016); In silico analysis, which includes protein predictors and evolutionary conservation, supports a deleterious effect; Has not been previously published as pathogenic or benign to our knowledge

NM_030962.4(SBF2):c.2173C>A (p.Pro725Thr)

Genes: SBF2 (SET binding factor 2; minus strand), LOC101928008 (uncharacterized LOC101928008; plus strand). Cytogenetic location: 11p15.4.
Variant type: single nucleotide variant.
Coding change: c.2173C>A on transcript NM_030962.4 (MANE Select); coding-DNA position 2173, C replaced by A.
Protein change: p.Pro725Thr; replaces proline 725 with threonine.
Molecular consequence: missense variant.
Genome position (GRCh38, 1-based): chr11:9,856,648, G>T on the plus strand (C>A on the coding strand, the complement: SBF2 is on the minus strand). VCF-style: chr11-9856648-G-T. GRCh37 (hg19) VCF-style: chr11-9878195-G-T.
Other names: c.2173C>A, p.Pro725Thr (NM_001386339.1); c.2044C>A, p.Pro682Thr (NM_001386342.1); short protein forms P682T, P725T.
Identifiers: ClinVar variation 1176562 (VCV001176562.37), dbSNP rs755569072, ClinGen allele CA5881614.
Genomic context (GRCh38, chr11:9,856,648, plus strand): 5'-TAAAGACAGTGCTTTCCTCATGTTGCACTAGCTCTTGCTGAGTTGACTTGCTCAGGGTAG[G>T]CCAAAGGCGTAGTTGCTCAGCTGCCAGGTCCATTGCTGTCTTCTCCTGATAATGGTCATC-3'
Protein context (NP_112224.1, residues 715-735): DLAAEQLRLW[Pro725Thr]TLSKSTQQEL